The following is an entry in ClinVar:

NM_002474.3(MYH11):c.4078C>G (p.Gln1360Glu)

Genes: MYH11 (myosin heavy chain 11; minus strand), NDE1 (nudE neurodevelopment protein 1; plus strand). Cytogenetic location: 16p13.11.
Variant type: single nucleotide variant.
Coding change: c.4078C>G on transcript NM_002474.3 (MANE Select); coding-DNA position 4078, C replaced by G.
Protein change: p.Gln1360Glu; replaces glutamine 1360 with glutamic acid.
Molecular consequence: missense variant. On other transcripts: 3 prime UTR variant (2).
Genome position (GRCh38, 1-based): chr16:15,724,685, G>C on the plus strand (C>G on the coding strand, the complement: MYH11 is on the minus strand). VCF-style: chr16-15724685-G-C. GRCh37 (hg19) VCF-style: chr16-15818542-G-C.
Other names: c.4099C>G, p.Gln1367Glu (NM_001040113.2, NM_001040114.2); c.4078C>G, p.Gln1360Glu (NM_022844.3); c.*434G>C (NM_001143979.2, NM_017668.3); short protein forms Q1360E, Q1367E.
Identifiers: ClinVar variation 450337 (VCV000450337.2), dbSNP rs1555553235, ClinGen allele CA394858026.
Genomic context (GRCh38, chr16:15,724,685, plus strand): 5'-AGCAAGGACACGGGGCAGGCACCTGGATGTTGAGAGTGGAGATGTGGCGCTCCAGGTTCT[G>C]CTTGGCCTCCATCTCCTCGTCCAGCTGGTCTTGCAGGCTGTTCCGCTCCTCCTCCAGCTG-3'
Protein context (NP_002465.1, residues 1350-1370): DQLDEEMEAK[Gln1360Glu]NLERHISTLN

ClinVar aggregate classification (germline): Uncertain significance (1 of 4 stars; one submission).

Submission:

GeneDx
Classification: Uncertain significance. Last evaluated: 2017-07-10. Review status: criteria provided, single submitter. Criteria: GeneDx Variant Classification (06012015). Collection method: clinical testing. Allele origin: germline. Affected: yes.
Comment: The Q1360E variant of uncertain significance in the MYH11 gene has not been published as pathogenic or been reported as benign to our knowledge. Q1360E is not observed in large population cohorts (Lek et al., 2016; 1000 Genomes Consortium et al., 2015; Exome Variant Server). The Q1360E variant is a semi-conservative amino acid substitution, which may impact secondary protein structure as these residues differ in some properties. Moreover, this substitution occurs at a position that is conserved in mammals. Nevertheless, in silico analysis is inconsistent in its predictions as to whether or not the variant is damaging to the protein structure/function, and no pathogenic missense variants in nearby residues have been reported in the Human Gene Mutation Database (Stenson et al., 2014).